The following is an entry in ClinVar:

NM_001374353.1(GLI2):c.2608T>C (p.Tyr870His)

Gene: GLI2 (GLI family zinc finger 2; plus strand). Cytogenetic location: 2q14.2.
Variant type: single nucleotide variant.
Coding change: c.2608T>C on transcript NM_001374353.1 (MANE Select); coding-DNA position 2608, T replaced by C.
Protein change: p.Tyr870His; replaces tyrosine 870 with histidine.
Molecular consequence: missense variant.
Genome position (GRCh38, 1-based): chr2:120,988,573, T>C. VCF-style: chr2-120988573-T-C. GRCh37 (hg19) VCF-style: chr2-121746149-T-C.
Other names: c.2659T>C, p.Tyr887His (NM_001371271.1, NM_005270.5); c.2233T>C, p.Tyr745His (NM_001374354.1); short protein forms Y745H, Y870H, Y887H.
Identifiers: ClinVar variation 3766033 (VCV003766033.1).

ClinVar aggregate classification (germline): Uncertain significance (1 of 4 stars; one submission).

Submission:

GeneDx
Classification: Uncertain significance. Last evaluated: 2024-08-31. Review status: criteria provided, single submitter. Criteria: GeneDx Variant Classification Process June 2021. Collection method: clinical testing. Allele origin: germline. Affected: yes.
Comment: Not observed at significant frequency in large population cohorts (gnomAD); In silico analysis supports that this missense variant has a deleterious effect on protein structure/function; Has not been previously published as pathogenic or benign to our knowledge